The following is an entry in ClinVar:

NM_000532.5(PCCB):c.818A>T (p.Asp273Val)

Gene: PCCB (propionyl-CoA carboxylase subunit beta; plus strand). Cytogenetic location: 3q22.3.
Variant type: single nucleotide variant.
Coding change: c.818A>T on transcript NM_000532.5 (MANE Select); coding-DNA position 818, A replaced by T.
Protein change: p.Asp273Val; replaces aspartic acid 273 with valine.
Molecular consequence: missense variant.
Genome position (GRCh38, 1-based): chr3:136,298,006, A>T. VCF-style: chr3-136298006-A-T. GRCh37 (hg19) VCF-style: chr3-136016848-A-T.
Other names: c.878A>T, p.Asp293Val (NM_001178014.2); short protein forms D273V, D293V.
Identifiers: ClinVar variation 968556 (VCV000968556.11), dbSNP rs765749691, ClinGen allele CA2631882.

ClinVar aggregate classification (germline): Uncertain significance. Review status: criteria provided, multiple submitters, no conflicts (2 of 4 stars). 5 submissions from 5 submitters: Uncertain significance (4). 1 of the submissions does not count toward it. Last evaluated 2026-03-18.

Conditions:
Propionic acidemia (PROP). Also called: GLYCINEMIA, KETOTIC; HYPERGLYCINEMIA WITH KETOACIDOSIS AND LEUKOPENIA; KETOTIC HYPERGLYCINEMIA. Identifiers: Orphanet 35, MedGen C0268579, MONDO:0011628, OMIM 606054, HP:0003571.

Allele frequency attached by ClinVar (database versions not stated): gnomAD exomes 0.00001; ExAC 0.00002; gnomAD 0.00005 and 0.00006; TOPMed 0.00005.
gnomAD v4.1: 17 of 1,613,906 alleles (0.0011%); highest among the groups gnomAD compares: Admixed American, 0.01%; no homozygotes.

Submissions (5):

GeneDx
Classification: Uncertain significance. Last evaluated: 2026-03-18. Review status: criteria provided, single submitter. Criteria: GeneDx Variant Classification Process June 2021. Collection method: clinical testing. Allele origin: germline.
Comment: Not observed at significant frequency in large population cohorts (gnomAD); In silico analysis supports that this missense variant has a deleterious effect on protein structure/function; Has not been previously published as pathogenic or benign to our knowledge

Blueprint Genetics
Classification: Uncertain significance. Last evaluated: 2024-09-11. Review status: criteria provided, single submitter. Criteria: ACMG Guidelines, 2015. Collection method: clinical testing. Allele origin: germline.

Labcorp Genetics (formerly Invitae), Labcorp
Classification: Uncertain significance for Propionic acidemia. Last evaluated: 2022-08-23. Review status: criteria provided, single submitter. Criteria: Invitae Variant Classification Sherloc (09022015). Collection method: clinical testing. Allele origin: germline.
Comment: This sequence change replaces aspartic acid, which is acidic and polar, with valine, which is neutral and non-polar, at codon 273 of the PCCB protein (p.Asp273Val). This variant is present in population databases (rs765749691, gnomAD 0.005%). This variant has not been reported in the literature in individuals affected with PCCB-related conditions. ClinVar contains an entry for this variant (Variation ID: 968556). Advanced modeling of protein sequence and biophysical properties (such as structural, functional, and spatial information, amino acid conservation, physicochemical variation, residue mobility, and thermodynamic stability) performed at Invitae indicates that this missense variant is not expected to disrupt PCCB protein function. In summary, the available evidence is currently insufficient to determine the role of this variant in disease. Therefore, it has been classified as a Variant of Uncertain Significance.

Revvity Omics, Revvity
Classification: Uncertain significance for Propionic acidemia. Last evaluated: 2020-10-01. Review status: criteria provided, single submitter. Criteria: ACMG Guidelines, 2015. Collection method: clinical testing. Allele origin: germline.

Natera, Inc.
Classification: Uncertain significance for Propionic acidemia. Last evaluated: 2020-08-31. Review status: no assertion criteria provided. Collection method: clinical testing. Allele origin: germline. Not counted in ClinVar's aggregate classification.